The following is an entry in ClinVar:

NM_145207.3(AFG2A):c.2569A>G (p.Ile857Val)

Gene: AFG2A (AFG2 AAA ATPase homolog A; plus strand). Cytogenetic location: 4q28.1.
Variant type: single nucleotide variant.
Coding change: c.2569A>G on transcript NM_145207.3 (MANE Select); coding-DNA position 2569, A replaced by G.
Protein change: p.Ile857Val; replaces isoleucine 857 with valine.
Molecular consequence: missense variant.
Genome position (GRCh38, 1-based): chr4:123,313,951, A>G. VCF-style: chr4-123313951-A-G. GRCh37 (hg19) VCF-style: chr4-124235106-A-G.
Other names: c.2566A>G, p.Ile856Val (NM_001345856.2); c.2569A>G (NM_145207.2); short protein forms I856V, I857V.
Identifiers: ClinVar variation 1409438 (VCV001409438.7), dbSNP rs752280801, ClinGen allele CA105295670.

ClinVar aggregate classification (germline): Uncertain significance. Review status: criteria provided, multiple submitters, no conflicts (2 of 4 stars). 2 submissions from 2 submitters: Uncertain significance (2). Last evaluated 2024-12-20.

Conditions:
Inborn genetic diseases. Identifiers: MedGen C0950123, MeSH D030342.
Microcephaly-intellectual disability-sensorineural hearing loss-epilepsy-abnormal muscle tone syndrome (NEDHSB). Also called: NEURODEVELOPMENTAL DISORDER WITH HEARING LOSS, SEIZURES, AND BRAIN ABNORMALITIES. Identifiers: Orphanet 457351, MedGen C4225276, MONDO:0014698, OMIM 616577.

Allele frequency attached by ClinVar (database versions not stated): gnomAD 0.00003; TOPMed 0.00002.
gnomAD v4.1: 5 of 1,613,004 alleles (0.00031%); highest among the groups gnomAD compares: African/African-American, 0.0067%; no homozygotes.

Submissions (2):

Ambry Genetics
Classification: Uncertain significance for Inborn genetic diseases. Last evaluated: 2024-12-20. Review status: criteria provided, single submitter. Criteria: Ambry Variant Classification Scheme 2023. Collection method: clinical testing. Allele origin: germline.

Labcorp Genetics (formerly Invitae), Labcorp
Classification: Uncertain significance for Microcephaly-intellectual disability-sensorineural hearing loss-epilepsy-abnormal muscle tone syndrome. Last evaluated: 2022-07-05. Review status: criteria provided, single submitter. Criteria: Invitae Variant Classification Sherloc (09022015). Collection method: clinical testing. Allele origin: germline.
Comment: In summary, the available evidence is currently insufficient to determine the role of this variant in disease. Therefore, it has been classified as a Variant of Uncertain Significance. Advanced modeling of protein sequence and biophysical properties (such as structural, functional, and spatial information, amino acid conservation, physicochemical variation, residue mobility, and thermodynamic stability) performed at Invitae indicates that this missense variant is not expected to disrupt SPATA5 protein function. ClinVar contains an entry for this variant (Variation ID: 1409438). This variant has not been reported in the literature in individuals affected with SPATA5-related conditions. This variant is present in population databases (no rsID available, gnomAD 0.007%). This sequence change replaces isoleucine, which is neutral and non-polar, with valine, which is neutral and non-polar, at codon 857 of the SPATA5 protein (p.Ile857Val).